The following is an entry in ClinVar:

ClinVar aggregate classification (germline): Uncertain significance (1 of 4 stars; one submission).

Conditions:
Hereditary cancer-predisposing syndrome. Also called: Neoplastic Syndromes, Hereditary; Tumor predisposition; Hereditary neoplastic syndrome; Hereditary Cancer Syndrome. Identifiers: Orphanet 140162, MedGen C0027672, MeSH D009386, MONDO:0015356.

Submission:

Ambry Genetics
Classification: Uncertain significance for Hereditary cancer-predisposing syndrome. Last evaluated: 2023-01-23. Review status: criteria provided, single submitter. Criteria: Ambry Variant Classification Scheme 2023. Collection method: clinical testing. Allele origin: germline.
Comment: The p.E152D variant (also known as c.456G>T), located in coding exon 4 of the SUFU gene, results from a G to T substitution at nucleotide position 456. The glutamic acid at codon 152 is replaced by aspartic acid, an amino acid with highly similar properties. This amino acid position is conserved. In addition, this alteration is predicted to be tolerated by in silico analysis. Since supporting evidence is limited at this time, the clinical significance of this alteration remains unclear.

NM_016169.4(SUFU):c.456G>T (p.Glu152Asp)

Gene: SUFU (SUFU negative regulator of hedgehog signaling; plus strand). Cytogenetic location: 10q24.32.
Variant type: single nucleotide variant.
Coding change: c.456G>T on transcript NM_016169.4 (MANE Select); coding-DNA position 456, G replaced by T.
Protein change: p.Glu152Asp; replaces glutamic acid 152 with aspartic acid.
Molecular consequence: missense variant.
Genome position (GRCh38, 1-based): chr10:102,592,583, G>T. VCF-style: chr10-102592583-G-T. GRCh37 (hg19) VCF-style: chr10-104352340-G-T.
Other names: c.456G>T, p.Glu152Asp (NM_001178133.2); short protein forms E152D.
Identifiers: ClinVar variation 2452614 (VCV002452614.2), dbSNP rs2545080824, ClinGen allele CA377908004.